The following is an entry in ClinVar:

NM_001365088.1(SLC12A6):c.3220A>T (p.Met1074Leu)

Gene: SLC12A6 (solute carrier family 12 member 6; minus strand). Cytogenetic location: 15q14.
Variant type: single nucleotide variant.
Coding change: c.3220A>T on transcript NM_001365088.1 (MANE Select); coding-DNA position 3220, A replaced by T.
Protein change: p.Met1074Leu; replaces methionine 1074 with leucine.
Molecular consequence: missense variant.
Genome position (GRCh38, 1-based): chr15:34,236,022, T>A on the plus strand (A>T on the coding strand, the complement: SLC12A6 is on the minus strand). VCF-style: chr15-34236022-T-A. GRCh37 (hg19) VCF-style: chr15-34528223-T-A.
Other names: c.3043A>T, p.Met1015Leu (NM_001042494.2, NM_001042495.2); c.3193A>T, p.Met1065Leu (NM_001042496.2); c.3175A>T, p.Met1059Leu (NM_001042497.2); c.3067A>T, p.Met1023Leu (NM_005135.2); c.3220A>T, p.Met1074Leu (NM_133647.2); short protein forms M1015L, M1023L, M1059L, M1065L, M1074L.
Identifiers: ClinVar variation 4883102 (VCV004883102.2).

ClinVar aggregate classification (germline): Uncertain significance (1 of 4 stars; one submission).

Submission:

Dasa
Classification: Uncertain significance. Last evaluated: 2025-08-13. Review status: criteria provided, single submitter. Criteria: DASA Assertion Criteria. Collection method: clinical testing. Allele origin: germline.
Comment: NM_001365088.1(SLC12A6):c.3220A>T (p.Met1074Leu) is a missense variant that results in the substitution of methionine with leucine. This variant is rare in population databases. Computational prediction algorithms are consistent with a benign effect. The currently available literature and clinical evidence are not sufficient to establish a definitive association between this variant and the reported condition. Therefore, this variant is classified as a variant of uncertain significance.